The following is an entry in ClinVar:

ClinVar aggregate classification (germline): Uncertain significance (1 of 4 stars; one submission).

Conditions:
Combined immunodeficiency due to DOCK8 deficiency (HIES2). Also called: DOCK8 Deficiency; HIES autosomal recessive; Hyper-IgE recurrent infection syndrome, autosomal recessive; HYPER-IgE RECURRENT INFECTION SYNDROME 2, AUTOSOMAL RECESSIVE; HYPER-IgE SYNDROME 2, AUTOSOMAL RECESSIVE, WITH RECURRENT INFECTIONS. Identifiers: Orphanet 217390, MedGen C4722305, MONDO:0009478, OMIM 243700.

Submission:

Labcorp Genetics (formerly Invitae), Labcorp
Classification: Uncertain significance for Combined immunodeficiency due to DOCK8 deficiency. Last evaluated: 2020-04-03. Review status: criteria provided, single submitter. Criteria: Invitae Variant Classification Sherloc (09022015). Collection method: clinical testing. Allele origin: germline.
Comment: This variant results in a copy number gain of the genomic region encompassing exon(s) 1-14 of the DOCK8 gene, which includes the initiator codon. The 5' end of this event is unknown as it extends beyond the assayed region for this gene and therefore may encompass additional genes. The 3' boundary is likely confined to intron 14 of the DOCK8 gene. As the precise location of this event is unknown, it may be in tandem or it may be located elsewhere in the genome. This variant has not been reported in the literature in individuals with DOCK8-related conditions. Experimental studies and prediction algorithms are not available or were not evaluated, and the functional significance of this variant is currently unknown. In summary, the available evidence is currently insufficient to determine the role of this variant in disease. Therefore, it has been classified as a Variant of Uncertain Significance.

NC_000009.11:g.(?_214977)_(340331_?)dup

Genes: DOCK8-AS1 (DOCK8 antisense RNA 1; minus strand), DOCK8 (dedicator of cytokinesis 8; plus strand). Cytogenetic location: 9p24.3.
Variant type: Duplication.
Identifiers: ClinVar variation 1052650 (VCV001052650.2).